The following is an entry in ClinVar:

ClinVar aggregate classification (germline): Uncertain significance (1 of 4 stars; one submission).

Conditions:
Alstrom syndrome (ALMS). Identifiers: Orphanet 64, MedGen C0268425, MONDO:0008763, OMIM 203800.

Allele frequency attached by ClinVar (database versions not stated): TOPMed below 0.00001; gnomAD 0.00001.
gnomAD v4.1: 2 of 1,546,248 alleles (0.00013%); highest among the groups gnomAD compares: Admixed American, 0.0039%; no homozygotes.

Submission:

Labcorp Genetics (formerly Invitae), Labcorp
Classification: Uncertain significance for Alstrom syndrome. Last evaluated: 2022-10-04. Review status: criteria provided, single submitter. Criteria: Invitae Variant Classification Sherloc (09022015). Collection method: clinical testing. Allele origin: germline.
Comment: This sequence change replaces valine, which is neutral and non-polar, with alanine, which is neutral and non-polar, at codon 47 of the ALMS1 protein (p.Val47Ala). This variant is not present in population databases (gnomAD no frequency). This variant has not been reported in the literature in individuals affected with ALMS1-related conditions. In summary, the available evidence is currently insufficient to determine the role of this variant in disease. Therefore, it has been classified as a Variant of Uncertain Significance.

NM_001378454.1(ALMS1):c.137T>C (p.Val46Ala)

Gene: ALMS1 (ALMS1 centrosome and basal body associated protein; plus strand). Cytogenetic location: 2p13.1.
Variant type: single nucleotide variant.
Coding change: c.137T>C on transcript NM_001378454.1 (MANE Select); coding-DNA position 137, T replaced by C.
Protein change: p.Val46Ala; replaces valine 46 with alanine.
Molecular consequence: missense variant.
Genome position (GRCh38, 1-based): chr2:73,386,005, T>C. VCF-style: chr2-73386005-T-C. GRCh37 (hg19) VCF-style: chr2-73613133-T-C.
Other names: c.140T>C, p.Val47Ala (NM_015120.4); short protein forms V46A, V47A.
Identifiers: ClinVar variation 2187592 (VCV002187592.1), dbSNP rs894068220, ClinGen allele CA347250683.